The following is an entry in ClinVar:

ClinVar aggregate classification (germline): Uncertain significance (1 of 4 stars; one submission).

Conditions:
Gorlin syndrome. Also called: Nevoid Basal Cell Carcinoma Syndrome; Basal cell nevus syndrome. Identifiers: Orphanet 377, MedGen C0004779, MONDO:0007187.
Medulloblastoma (MDB). Also called: Medulloblastoma, somatic; MEDULLOBLASTOMA PREDISPOSITION SYNDROME. Identifiers: Orphanet 616, MedGen C0025149, MeSH D008527, MONDO:0007959, OMIM 155255, HP:0002885.

Submission:

Labcorp Genetics (formerly Invitae), Labcorp
Classification: Uncertain significance for Gorlin syndrome; Medulloblastoma. Last evaluated: 2022-11-18. Review status: criteria provided, single submitter. Criteria: Invitae Variant Classification Sherloc (09022015). Collection method: clinical testing. Allele origin: germline.
Comment: This sequence change replaces histidine, which is basic and polar, with tyrosine, which is neutral and polar, at codon 337 of the SUFU protein (p.His337Tyr). This variant is not present in population databases (gnomAD no frequency). This variant has not been reported in the literature in individuals affected with SUFU-related conditions. Advanced modeling of protein sequence and biophysical properties (such as structural, functional, and spatial information, amino acid conservation, physicochemical variation, residue mobility, and thermodynamic stability) performed at Invitae indicates that this missense variant is not expected to disrupt SUFU protein function. In summary, the available evidence is currently insufficient to determine the role of this variant in disease. Therefore, it has been classified as a Variant of Uncertain Significance.

NM_016169.4(SUFU):c.1009C>T (p.His337Tyr)

Gene: SUFU (SUFU negative regulator of hedgehog signaling; plus strand). Cytogenetic location: 10q24.32.
Variant type: single nucleotide variant.
Coding change: c.1009C>T on transcript NM_016169.4 (MANE Select); coding-DNA position 1009, C replaced by T.
Protein change: p.His337Tyr; replaces histidine 337 with tyrosine.
Molecular consequence: missense variant.
Genome position (GRCh38, 1-based): chr10:102,599,531, C>T. VCF-style: chr10-102599531-C-T. GRCh37 (hg19) VCF-style: chr10-104359288-C-T.
Other names: c.1009C>T, p.His337Tyr (NM_001178133.2); short protein forms H337Y.
Identifiers: ClinVar variation 2923226 (VCV002923226.3), dbSNP rs2545101111, ClinGen allele CA377911190.